The following is an entry in ClinVar:

ClinVar aggregate classification (germline): Conflicting classifications of pathogenicity. Review status: criteria provided, conflicting classifications (1 of 4 stars). 3 submissions from 3 submitters: Uncertain significance (1); Likely benign (1). 1 of the submissions does not count toward it. Last evaluated 2025-07-31.

Conditions:
Renal cell carcinoma. Identifiers: Orphanet 217071, MedGen C0007134, MeSH D002292, MONDO:0005086, HP:0005584.
Hereditary cancer-predisposing syndrome. Also called: Hereditary neoplastic syndrome; Neoplastic Syndromes, Hereditary; Hereditary Cancer Syndrome; Tumor predisposition. Identifiers: Orphanet 140162, MedGen C0027672, MeSH D009386, MONDO:0015356.

Allele frequency attached by ClinVar (database versions not stated): ExAC 0.00001; gnomAD 0.00001; TOPMed 0.00001; gnomAD exomes 0.00002.
gnomAD v4.1: 16 of 1,613,980 alleles (0.00099%); highest among the groups gnomAD compares: African/African-American, 0.0053%; no homozygotes.

Submissions (3):

Labcorp Genetics (formerly Invitae), Labcorp
Classification: Uncertain significance for Renal cell carcinoma. Last evaluated: 2025-07-31. Review status: criteria provided, single submitter. Criteria: Invitae Variant Classification Sherloc (09022015). Collection method: clinical testing. Allele origin: germline.
Comment: This sequence change replaces alanine, which is neutral and non-polar, with valine, which is neutral and non-polar, at codon 411 of the MET protein (p.Ala411Val). This variant is present in population databases (rs201154533, gnomAD 0.007%). This variant has not been reported in the literature in individuals affected with MET-related conditions. ClinVar contains an entry for this variant (Variation ID: 41613). An algorithm developed to predict the effect of missense changes on protein structure and function outputs the following: PolyPhen-2: "Benign". The valine amino acid residue is found in multiple mammalian species, which suggests that this missense change does not adversely affect protein function. In summary, the available evidence is currently insufficient to determine the role of this variant in disease. Therefore, it has been classified as a Variant of Uncertain Significance.

Ambry Genetics
Classification: Likely benign for Hereditary cancer-predisposing syndrome. Last evaluated: 2019-10-21. Review status: criteria provided, single submitter. Criteria: Ambry Variant Classification Scheme 2023. Collection method: clinical testing. Allele origin: germline.

Biesecker Lab/Clinical Genomics Section, National Institutes of Health
Classification: Uncertain significance. Last evaluated: 2012-07-13. Review status: no assertion criteria provided. Collection method: research. Allele origin: germline. Affected: no. Observed: 1 variant allele. Study: ClinSeq. Not counted in ClinVar's aggregate classification.
ClinVar note: Converted during submission from variant of unknown significance to Uncertain significance.

NM_000245.4(MET):c.1232C>T (p.Ala411Val)

Gene: MET (MET proto-oncogene, receptor tyrosine kinase; plus strand). Cytogenetic location: 7q31.2.
Variant type: single nucleotide variant.
Coding change: c.1232C>T on transcript NM_000245.4 (MANE Select); coding-DNA position 1232, C replaced by T.
Protein change: p.Ala411Val; replaces alanine 411 with valine.
Molecular consequence: missense variant. On other transcripts: 5 prime UTR variant (1).
Genome position (GRCh38, 1-based): chr7:116,731,699, C>T. VCF-style: chr7-116731699-C-T. GRCh37 (hg19) VCF-style: chr7-116371753-C-T.
Other names: c.1232C>T, p.Ala411Val (NM_001127500.3, NM_001324401.3); c.-59C>T (NM_001324402.2); short protein forms A411V.
Identifiers: ClinVar variation 41613 (VCV000041613.12), dbSNP rs201154533, ClinGen allele CA215620.
Genomic context (GRCh38, chr7:116,731,699, plus strand): 5'-ATTAACTCTATGACCATATTTTATTCCAGACACTTCTGAGAAATTCATCAGGCTGTGAAG[C>T]GCGCCGTGATGAATATCGAACAGAGTTTACCACAGCTTTGCAGCGCGTTGACTTATTCAT-3'
Protein context (NP_000236.2, residues 401-421): TLLRNSSGCE[Ala411Val]RRDEYRTEFT